The following is an entry in ClinVar:

ClinVar aggregate classification (germline): Likely pathogenic (1 of 4 stars; one submission).

Submission:

CeGaT Center for Human Genetics Tuebingen
Classification: Likely pathogenic. Last evaluated: 2026-05-01. Review status: criteria provided, single submitter. Criteria: CeGaT Center For Human Genetics Tuebingen Variant Classification Criteria Version 2. Collection method: clinical testing. Allele origin: germline. Affected: yes. Observed: 1 variant allele.
Comment: PGAP1: PVS1:Strong, PM2

NM_024989.4(PGAP1):c.301+1G>A

Gene: PGAP1 (post-GPI attachment to proteins inositol deacylase 1; minus strand). Cytogenetic location: 2q33.1.
Variant type: single nucleotide variant.
Coding change: c.301+1G>A on transcript NM_024989.4 (MANE Select); the canonical splice donor site of the intron after coding-DNA position 301, G replaced by A.
Molecular consequence: splice donor variant.
Genome position (GRCh38, 1-based): chr2:196,919,996, C>T on the plus strand (G>A on the coding strand, the complement: PGAP1 is on the minus strand). VCF-style: chr2-196919996-C-T. GRCh37 (hg19) VCF-style: chr2-197784720-C-T.
Other names: c.-811+1G>A (NM_001321100.2); c.-222+1G>A (NM_001321099.2).
Identifiers: ClinVar variation 4873050 (VCV004873050.2).